The following is an entry in ClinVar:

ClinVar aggregate classification (germline): Likely benign (0 of 4 stars; one submission).

Conditions:
INS-related disorder. Also called: INS-related condition.

Allele frequency attached by ClinVar (database versions not stated): gnomAD 0.00001; TOPMed 0.00001.

Submission:

PreventionGenetics, part of Exact Sciences
Classification: Likely benign for INS-related condition. Last evaluated: 2020-07-14. Review status: no assertion criteria provided. Collection method: clinical testing. Allele origin: germline.
Comment: This variant is classified as likely benign based on ACMG/AMP sequence variant interpretation guidelines (Richards et al. 2015 PMID: 25741868, with internal and published modifications).

NM_000207.3(INS):c.187+6C>G

Genes: INS (insulin; minus strand), INS-IGF2 (INS-IGF2 readthrough; minus strand). Cytogenetic location: 11p15.5.
Variant type: single nucleotide variant.
Coding change: c.187+6C>G on transcript NM_000207.3 (MANE Select); 6 bases into the intron after coding-DNA position 187, C replaced by G.
Molecular consequence: intron variant.
Genome position (GRCh38, 1-based): chr11:2,160,779, G>C on the plus strand (C>G on the coding strand, the complement: INS is on the minus strand). VCF-style: chr11-2160779-G-C. GRCh37 (hg19) VCF-style: chr11-2182009-G-C.
Other names: c.187+6C>G (NM_001042376.3, NM_001185097.2, NM_001291897.2 and 1 more transcripts).
Identifiers: ClinVar variation 3036718 (VCV003036718.2), dbSNP rs748317301, ClinGen allele CA5818173.